The following is an entry in ClinVar:

NM_001351169.2(NT5C2):c.677T>C (p.Val226Ala)

Gene: NT5C2 (5'-nucleotidase, cytosolic II; minus strand). Cytogenetic location: 10q24.32.
Variant type: single nucleotide variant.
Coding change: c.677T>C on transcript NM_001351169.2 (MANE Select); coding-DNA position 677, T replaced by C.
Protein change: p.Val226Ala; replaces valine 226 with alanine.
Molecular consequence: missense variant. On other transcripts: 5 prime UTR variant (3).
Genome position (GRCh38, 1-based): chr10:103,098,941, A>G on the plus strand (T>C on the coding strand, the complement: NT5C2 is on the minus strand). VCF-style: chr10-103098941-A-G. GRCh37 (hg19) VCF-style: chr10-104858698-A-G.
Other names: c.677T>C, p.Val226Ala (NM_001134373.3, NM_012229.5); c.701T>C, p.Val234Ala (NM_001351170.2, NM_001351171.2, NM_001351172.2 and 1 more transcripts); c.590T>C, p.Val197Ala (NM_001351174.1); c.584T>C, p.Val195Ala (NM_001351175.2); c.104T>C, p.Val35Ala (NM_001351176.2, NM_001351177.2, NM_001351178.2 and 16 more transcripts); c.-79T>C (NM_001351194.2, NM_001351195.2, NM_001351196.2); short protein forms V197A, V195A, V226A, V234A, V35A.
Identifiers: ClinVar variation 1952196 (VCV001952196.5), dbSNP rs1355588604, ClinGen allele CA377975589.
Genomic context (GRCh38, chr10:103,098,941, plus strand): 5'-ATAGGTAAAATGAGCTATTATGCAGATCTATTTTCCCCTATATTACTTACATCTTTGACT[A>G]CATACTTCTCAAGATTTTCAACTGTCTTTTCCTTAAGGGAGCCCTGGAGGAAGACAAAAA-3'
Protein context (NP_001338098.1, residues 216-236): EKTVENLEKY[Val226Ala]VKDGKLPLLL

ClinVar aggregate classification (germline): Uncertain significance (1 of 4 stars; one submission).

Conditions:
Hereditary spastic paraplegia 45. Also called: SPASTIC PARAPLEGIA 45; Spastic paraplegia 45, autosomal recessive. Identifiers: Orphanet 320396, MedGen C3888209, MONDO:0013165, OMIM 613162.

Allele frequency attached by ClinVar (database versions not stated): gnomAD exomes below 0.00001; gnomAD 0.00001; TOPMed 0.00001.
gnomAD v4.1: 5 of 1,605,554 alleles (0.00031%); highest among the groups gnomAD compares: African/African-American, 0.004%; no homozygotes.

Submission:

Labcorp Genetics (formerly Invitae), Labcorp
Classification: Uncertain significance for Hereditary spastic paraplegia 45. Last evaluated: 2024-06-03. Review status: criteria provided, single submitter. Criteria: Invitae Variant Classification Sherloc (09022015). Collection method: clinical testing. Allele origin: germline.
Comment: This sequence change replaces valine, which is neutral and non-polar, with alanine, which is neutral and non-polar, at codon 226 of the NT5C2 protein (p.Val226Ala). This variant is not present in population databases (gnomAD no frequency). This variant has not been reported in the literature in individuals affected with NT5C2-related conditions. ClinVar contains an entry for this variant (Variation ID: 1952196). An algorithm developed to predict the effect of missense changes on protein structure and function (PolyPhen-2) suggests that this variant is likely to be disruptive. In summary, the available evidence is currently insufficient to determine the role of this variant in disease. Therefore, it has been classified as a Variant of Uncertain Significance.